The following is an entry in ClinVar:

ClinVar aggregate classification (germline): Uncertain significance (1 of 4 stars; one submission).

Conditions:
Adams-Oliver syndrome 5 (AOS5). Identifiers: Orphanet 974, MedGen C4014970, MONDO:0014459, OMIM 616028.

Submission:

Labcorp Genetics (formerly Invitae), Labcorp
Classification: Uncertain significance for Adams-Oliver syndrome 5. Last evaluated: 2025-06-22. Review status: criteria provided, single submitter. Criteria: Invitae Variant Classification Sherloc (09022015). Collection method: clinical testing. Allele origin: germline.
Comment: This sequence change replaces threonine, which is neutral and polar, with serine, which is neutral and polar, at codon 1243 of the NOTCH1 protein (p.Thr1243Ser). This variant is not present in population databases (gnomAD no frequency). This variant has not been reported in the literature in individuals affected with NOTCH1-related conditions. Invitae Evidence Modeling of protein sequence and biophysical properties (such as structural, functional, and spatial information, amino acid conservation, physicochemical variation, residue mobility, and thermodynamic stability) indicates that this missense variant is not expected to disrupt NOTCH1 protein function with a negative predictive value of 80%. In summary, the available evidence is currently insufficient to determine the role of this variant in disease. Therefore, it has been classified as a Variant of Uncertain Significance.

NM_017617.5(NOTCH1):c.3728C>G (p.Thr1243Ser)

Gene: NOTCH1 (notch receptor 1; minus strand). Cytogenetic location: 9q34.3.
Variant type: single nucleotide variant.
Coding change: c.3728C>G on transcript NM_017617.5 (MANE Select); coding-DNA position 3728, C replaced by G.
Protein change: p.Thr1243Ser; replaces threonine 1243 with serine.
Molecular consequence: missense variant.
Genome position (GRCh38, 1-based): chr9:136,506,889, G>C on the plus strand (C>G on the coding strand, the complement: NOTCH1 is on the minus strand). VCF-style: chr9-136506889-G-C. GRCh37 (hg19) VCF-style: chr9-139401341-G-C.
Other names: short protein forms T1243S.
Identifiers: ClinVar variation 4742065 (VCV004742065.1).